The following is an entry in ClinVar:

NM_001378120.1(MBD5):c.2200G>A (p.Ala734Thr)

Gene: MBD5 (methyl-CpG binding domain protein 5; plus strand). Cytogenetic location: 2q23.1.
Variant type: single nucleotide variant.
Coding change: c.2200G>A on transcript NM_001378120.1 (MANE Select); coding-DNA position 2200, G replaced by A.
Protein change: p.Ala734Thr; replaces alanine 734 with threonine.
Molecular consequence: missense variant.
Genome position (GRCh38, 1-based): chr2:148,470,143, G>A. VCF-style: chr2-148470143-G-A. GRCh37 (hg19) VCF-style: chr2-149227712-G-A.
Other names: c.2200G>A, p.Ala734Thr (NM_018328.5); short protein forms A734T.
Identifiers: ClinVar variation 2714233 (VCV002714233.3), dbSNP rs2469874771, ClinGen allele CA348721333.

ClinVar aggregate classification (germline): Uncertain significance (1 of 4 stars; one submission).

Conditions:
Intellectual developmental disorder, autosomal dominant 1. Also called: Intellectual disability, autosomal dominant 1; MBD5 Haploinsufficiency. Identifiers: Orphanet 228402, MedGen C1969562, MONDO:0007974, OMIM 156200.

Allele frequency attached by ClinVar (database versions not stated): gnomAD exomes below 0.00001.
gnomAD v4.1: 1 of 1,613,876 alleles (0.000062%); highest among the groups gnomAD compares: Non-Finnish European, 0.000085%; no homozygotes.

Submission:

Labcorp Genetics (formerly Invitae), Labcorp
Classification: Uncertain significance for Intellectual developmental disorder, autosomal dominant 1. Last evaluated: 2024-01-30. Review status: criteria provided, single submitter. Criteria: Invitae Variant Classification Sherloc (09022015). Collection method: clinical testing. Allele origin: germline.
Comment: This sequence change replaces alanine, which is neutral and non-polar, with threonine, which is neutral and polar, at codon 734 of the MBD5 protein (p.Ala734Thr). This variant is not present in population databases (gnomAD no frequency). This variant has not been reported in the literature in individuals affected with MBD5-related conditions. Advanced modeling of protein sequence and biophysical properties (such as structural, functional, and spatial information, amino acid conservation, physicochemical variation, residue mobility, and thermodynamic stability) performed at Invitae indicates that this missense variant is not expected to disrupt MBD5 protein function with a negative predictive value of 80%. In summary, the available evidence is currently insufficient to determine the role of this variant in disease. Therefore, it has been classified as a Variant of Uncertain Significance.